The following is an entry in ClinVar:

ClinVar aggregate classification (germline): Uncertain significance. Review status: criteria provided, multiple submitters, no conflicts (2 of 4 stars). 3 submissions from 3 submitters: Uncertain significance (3). Last evaluated 2024-09-06.

Conditions:
Familial thoracic aortic aneurysm and aortic dissection (TAAD). Also called: Thoracic aortic aneurysms and dissections. Identifiers: Orphanet 91387, MedGen C4707243, MONDO:0019625.
Aortic aneurysm, familial thoracic 4 (AAT4). Also called: AORTIC ANEURYSM/AORTIC DISSECTION AND PATENT DUCTUS ARTERIOSUS. Identifiers: MedGen C1851504, MONDO:0007568, OMIM 132900.

Allele frequency attached by ClinVar (database versions not stated): gnomAD exomes below 0.00001.

Submissions (3):

Labcorp Genetics (formerly Invitae), Labcorp
Classification: Uncertain significance for Aortic aneurysm, familial thoracic 4. Last evaluated: 2024-09-06. Review status: criteria provided, single submitter. Criteria: Invitae Variant Classification Sherloc (09022015). Collection method: clinical testing. Allele origin: germline.
Comment: This sequence change replaces valine, which is neutral and non-polar, with alanine, which is neutral and non-polar, at codon 36 of the MYH11 protein (p.Val36Ala). This variant is not present in population databases (gnomAD no frequency). This variant has not been reported in the literature in individuals affected with MYH11-related conditions. Invitae Evidence Modeling of protein sequence and biophysical properties (such as structural, functional, and spatial information, amino acid conservation, physicochemical variation, residue mobility, and thermodynamic stability) indicates that this missense variant is not expected to disrupt MYH11 protein function with a negative predictive value of 95%. In summary, the available evidence is currently insufficient to determine the role of this variant in disease. Therefore, it has been classified as a Variant of Uncertain Significance.

Dasa
Classification: Uncertain significance. Last evaluated: 2024-06-13. Review status: criteria provided, single submitter. Criteria: DASA Assertion Criteria. Collection method: clinical testing. Allele origin: germline.
Comment: NM_002474.3(MYH11):c.107T>C (p.Val36Ala) is a missense variant that results in the substitution of valine with alanine. This variant is rare in population databases. Computational prediction algorithms are consistent with a deleterious effect. The currently available literature and clinical evidence are not sufficient to establish a definitive association between this variant and the reported condition. Therefore, this variant is classified as a variant of uncertain significance.

All of Us Research Program, National Institutes of Health
Classification: Uncertain significance for Familial thoracic aortic aneurysm and aortic dissection. Last evaluated: 2023-06-08. Review status: criteria provided, single submitter. Criteria: ACMG Guidelines, 2015. Collection method: clinical testing. Allele origin: germline. Inheritance: Autosomal dominant inheritance. Observed: 2 variant alleles, 2 heterozygotes.
Comment: This missense variant replaces valine with alanine at codon 36 of the MYH11 protein. Computational prediction suggests that this variant may have deleterious impact on protein structure and function (internally defined REVEL score threshold >= 0.7, PMID: 27666373). To our knowledge, functional studies have not been reported for this variant. This variant has not been reported in individuals affected with MYH11-related disorders in the literature. This variant has not been identified in the general population by the Genome Aggregation Database (gnomAD). The available evidence is insufficient to determine the role of this variant in disease conclusively. Therefore, this variant is classified as a Variant of Uncertain Significance.

This study involves interpretation of variants in research participants for the purpose of population health screening. Participant phenotype was not available at the time of variant classification. Additional details can be found in publication PMID: 35346344, PMCID: PMC8962531

NM_002474.3(MYH11):c.107T>C (p.Val36Ala)

Gene: MYH11 (myosin heavy chain 11; minus strand). Cytogenetic location: 16p13.11.
Variant type: single nucleotide variant.
Coding change: c.107T>C on transcript NM_002474.3 (MANE Select); coding-DNA position 107, T replaced by C.
Protein change: p.Val36Ala; replaces valine 36 with alanine.
Molecular consequence: missense variant.
Genome position (GRCh38, 1-based): chr16:15,838,146, A>G on the plus strand (T>C on the coding strand, the complement: MYH11 is on the minus strand). VCF-style: chr16-15838146-A-G. GRCh37 (hg19) VCF-style: chr16-15932003-A-G.
Other names: c.107T>C, p.Val36Ala (NM_001040113.2, NM_001040114.2, NM_022844.3); short protein forms V36A.
Identifiers: ClinVar variation 3070640 (VCV003070640.5), dbSNP rs2507038174, ClinGen allele CA395198665.